The following is an entry in ClinVar:

ClinVar aggregate classification (germline): Likely benign (1 of 4 stars; one submission).

Submission:

Women's Health and Genetics/Laboratory Corporation of America, LabCorp
Classification: Likely benign. Last evaluated: 2024-03-11. Review status: criteria provided, single submitter. Criteria: LabCorp Variant Classification Summary - May 2015. Collection method: clinical testing. Allele origin: germline.
Comment: Variant summary: ACTG1 c.124-7C>T alters a non-conserved nucleotide located close to a canonical splice site and therefore could affect mRNA splicing, leading to a significantly altered protein sequence. Consensus agreement among computation tools predict no significant impact on normal splicing. However, these predictions have yet to be confirmed by functional studies. The variant allele was found at a frequency of 1.5e-05 in 1613398 control chromosomes. This frequency does not allow for any conclusion about variant significance. However, ACTG1-Related Disorders are expected to cause severe, early-onset phenotypes, and this variant is present in 24 heterozygous individuals in gnomAD, suggesting a benign role for this variant. To our knowledge, no occurrence of c.124-7C>T in individuals affected with ACTG1-Related Disorders and no experimental evidence demonstrating its impact on protein function have been reported. No submitters have cited clinical-significance assessments for this variant to ClinVar. Based on the evidence outlined above, the variant was classified as likely benign.

NM_001614.5(ACTG1):c.124-7C>T

Gene: ACTG1 (actin gamma 1; minus strand). Cytogenetic location: 17q25.3.
Variant type: single nucleotide variant.
Coding change: c.124-7C>T on transcript NM_001614.5 (MANE Select); 7 bases into the intron before coding-DNA position 124, C replaced by T.
Molecular consequence: intron variant.
Genome position (GRCh38, 1-based): chr17:81,512,149, G>A on the plus strand (C>T on the coding strand, the complement: ACTG1 is on the minus strand). VCF-style: chr17-81512149-G-A. GRCh37 (hg19) VCF-style: chr17-79479175-G-A.
Other names: c.124-7C>T (NM_001199954.3).
Identifiers: ClinVar variation 3233536 (VCV003233536.2), dbSNP rs782660034, ClinGen allele CA8836348.
Genomic context (GRCh38, chr17:81,512,149, plus strand): 5'-CTGGGCCTCGTCGCCCACGTAGGAGTCCTTCTGGCCCATGCCCACCATGACGCCCTGCAG[G>A]GGACGACCCGTCAGCCTCGCCGGCGACACCGAACCCACCCCGCAACGCAGAACCCAGGAG-3'